The following is an entry in ClinVar:

ClinVar aggregate classification (germline): Conflicting classifications of pathogenicity. Review status: criteria provided, conflicting classifications (1 of 4 stars). 4 submissions from 4 submitters: Uncertain significance (2); Likely benign (2). Last evaluated 2026-01-13.

Conditions:
NFKB1-related disorder. Also called: NFKB1-related condition.

Allele frequency attached by ClinVar (database versions not stated): gnomAD 0.00029 and 0.00031; gnomAD exomes 0.00033 and 0.00069; TOPMed 0.00033; ExAC 0.00036; ESP Exome Variant Server 0.00038.
gnomAD v4.1: 1,036 of 1,613,976 alleles (0.064%); highest among the groups gnomAD compares: Non-Finnish European, 0.083%; no homozygotes.

Submissions (4):

Labcorp Genetics (formerly Invitae), Labcorp
Classification: Uncertain significance. Last evaluated: 2026-01-13. Review status: criteria provided, single submitter. Criteria: Invitae Variant Classification Sherloc (09022015). Collection method: clinical testing. Allele origin: germline.
Comment: This sequence change replaces threonine, which is neutral and polar, with asparagine, which is neutral and polar, at codon 944 of the NFKB1 protein (p.Thr944Asn). This variant is present in population databases (rs143882681, gnomAD 0.06%), and has an allele count higher than expected for a pathogenic variant. This variant has not been reported in the literature in individuals affected with NFKB1-related conditions. ClinVar contains an entry for this variant (Variation ID: 1495139). An algorithm developed to predict the effect of missense changes on protein structure and function (PolyPhen-2) suggests that this variant is likely to be tolerated. In summary, the available evidence is currently insufficient to determine the role of this variant in disease. Therefore, it has been classified as a Variant of Uncertain Significance.

PreventionGenetics, part of Exact Sciences
Classification: Uncertain significance for NFKB1-related condition. Last evaluated: 2025-09-28. Review status: criteria provided, single submitter. Criteria: ACMG Guidelines, 2015. Collection method: clinical testing. Allele origin: germline.
Comment: The NFKB1 c.2831C>A variant is predicted to result in the amino acid substitution p.Thr944Asn. To our knowledge, this variant has not been reported in the literature. This variant is reported in 0.060% of alleles in individuals of European (Non-Finnish) descent in gnomAD, which is likely too common to be causative of disease. Although we suspect that this variant may be benign, at this time, the clinical significance of this variant is uncertain due to the absence of conclusive functional and genetic evidence.

Blueprint Genetics
Classification: Likely benign. Last evaluated: 2024-07-24. Review status: criteria provided, single submitter. Criteria: ACMG Guidelines, 2015. Collection method: clinical testing. Allele origin: germline.

CeGaT Center for Human Genetics Tuebingen
Classification: Likely benign. Last evaluated: 2023-07-01. Review status: criteria provided, single submitter. Criteria: CeGaT Center For Human Genetics Tuebingen Variant Classification Criteria Version 2. Collection method: clinical testing. Allele origin: germline. Affected: yes. Observed: 2 variant alleles.
Comment: NFKB1: BP4, BS2

NM_003998.4(NFKB1):c.2831C>A (p.Thr944Asn)

Gene: NFKB1 (nuclear factor kappa B subunit 1; plus strand). Cytogenetic location: 4q24.
Variant type: single nucleotide variant.
Coding change: c.2831C>A on transcript NM_003998.4 (MANE Select); coding-DNA position 2831, C replaced by A.
Protein change: p.Thr944Asn; replaces threonine 944 with asparagine.
Molecular consequence: missense variant.
Genome position (GRCh38, 1-based): chr4:102,616,515, C>A. VCF-style: chr4-102616515-C-A. GRCh37 (hg19) VCF-style: chr4-103537672-C-A.
Other names: c.2828C>A, p.Thr943Asn (NM_001165412.2, NM_001319226.2, NM_001382627.1); c.2831C>A, p.Thr944Asn (NM_001382625.1, NM_001382626.1); c.2789C>A, p.Thr930Asn (NM_001382628.1); c.2831C>A (NM_003998.3); short protein forms T930N, T944N, T943N.
Identifiers: ClinVar variation 1495139 (VCV001495139.31), dbSNP rs143882681, ClinGen allele CA3026548.
Genomic context (GRCh38, chr4:102,616,515, plus strand): 5'-GTGTCTGCGACAGCGGCGTGGAGACATCCTTCCGCAAACTCAGCTTTACCGAGTCTCTGA[C>A]CAGTGGTGCCTCACTGCTAACTCTCAACAAAATGCCCCATGATTATGGGCAGGAAGGACC-3'
Protein context (NP_003989.2, residues 934-954): FRKLSFTESL[Thr944Asn]SGASLLTLNK